The following is an entry in ClinVar:

ClinVar aggregate classification (germline): Benign. Review status: criteria provided, multiple submitters, no conflicts (2 of 4 stars). 4 submissions from 4 submitters: Benign (4). Last evaluated 2021-07-14.

Conditions:
Congenital myasthenic syndrome 8. Also called: Myasthenic syndrome, congenital, 8, with pre- and postsynaptic defects; MYASTHENIC SYNDROME, CONGENITAL, DUE TO AGRIN DEFICIENCY. Identifiers: Orphanet 590, MedGen C3808739, MONDO:0014052, OMIM 615120.

Allele frequency attached by ClinVar (database versions not stated): ESP Exome Variant Server 0.83208; TOPMed 0.83857; gnomAD 0.84465 and 0.85255; 1000 Genomes Project 30x 0.86368; 1000 Genomes Project 0.86941; ExAC 0.91275; gnomAD exomes 0.92055 and 0.92571.

Submissions (4):

Genome-Nilou Lab
Classification: Benign for Congenital myasthenic syndrome 8. Last evaluated: 2021-07-14. Review status: criteria provided, single submitter. Criteria: ACMG Guidelines, 2015. Collection method: clinical testing. Allele origin: germline. Affected: no.

GeneDx
Classification: Benign. Last evaluated: 2018-06-16. Review status: criteria provided, single submitter. Criteria: GeneDx Variant Classification (06012015). Collection method: clinical testing. Allele origin: germline. Affected: yes.
Comment: This variant is considered likely benign or benign based on one or more of the following criteria: it is a conservative change, it occurs at a poorly conserved position in the protein, it is predicted to be benign by multiple in silico algorithms, and/or has population frequency not consistent with disease.

Breakthrough Genomics
Classification: Benign. Review status: criteria provided, single submitter. Criteria: ACMG Guidelines, 2015. Collection method: not provided. Allele origin: germline. Inheritance: Autosomal recessive inheritance. Affected: yes.

PreventionGenetics, part of Exact Sciences
Classification: Benign. Review status: criteria provided, single submitter. Criteria: ACMG Guidelines, 2015. Collection method: clinical testing. Allele origin: germline.

NM_198576.4(AGRN):c.2537-26A>G

Gene: AGRN (agrin; plus strand). Cytogenetic location: 1p36.33.
Variant type: single nucleotide variant.
Coding change: c.2537-26A>G on transcript NM_198576.4 (MANE Select); 26 bases into the intron before coding-DNA position 2537, A replaced by G.
Molecular consequence: intron variant.
Genome position (GRCh38, 1-based): chr1:1,045,707, A>G. VCF-style: chr1-1045707-A-G. GRCh37 (hg19) VCF-style: chr1-981087-A-G.
Other names: c.2537-26A>G (NM_001305275.2); c.2222-26A>G (NM_001364727.2).
Identifiers: ClinVar variation 263172 (VCV000263172.6), dbSNP rs3128098, ClinGen allele CA508687.